The following is an entry in ClinVar:

NM_016341.4(PLCE1):c.2539C>G (p.Pro847Ala)

Gene: PLCE1 (phospholipase C epsilon 1; plus strand). Cytogenetic location: 10q23.33.
Variant type: single nucleotide variant.
Coding change: c.2539C>G on transcript NM_016341.4 (MANE Select); coding-DNA position 2539, C replaced by G.
Protein change: p.Pro847Ala; replaces proline 847 with alanine.
Molecular consequence: missense variant.
Genome position (GRCh38, 1-based): chr10:94,246,064, C>G. VCF-style: chr10-94246064-C-G. GRCh37 (hg19) VCF-style: chr10-96005821-C-G.
Other names: c.1615C>G, p.Pro539Ala (NM_001165979.2); c.2539C>G, p.Pro847Ala (NM_001288989.2); short protein forms P539A, P847A.
Identifiers: ClinVar variation 1311915 (VCV001311915.3), dbSNP rs2050668187, ClinGen allele CA377640130.

ClinVar aggregate classification (germline): Uncertain significance. Review status: criteria provided, multiple submitters, no conflicts (2 of 4 stars). 2 submissions from 2 submitters: Uncertain significance (2). Last evaluated 2024-05-16.

Conditions:
Inborn genetic diseases. Identifiers: MedGen C0950123, MeSH D030342.

Allele frequency attached by ClinVar (database versions not stated): gnomAD exomes below 0.00001; TOPMed below 0.00001; gnomAD 0.00001.
gnomAD v4.1: 6 of 1,614,142 alleles (0.00037%); highest among the groups gnomAD compares: Middle Eastern, 0.016%; no homozygotes.

Submissions (2):

Ambry Genetics
Classification: Uncertain significance for Inborn genetic diseases. Last evaluated: 2024-05-16. Review status: criteria provided, single submitter. Criteria: Ambry Variant Classification Scheme 2023. Collection method: clinical testing. Allele origin: germline.

GeneDx
Classification: Uncertain significance. Last evaluated: 2019-09-10. Review status: criteria provided, single submitter. Criteria: GeneDx Variant Classification Process June 2021. Collection method: clinical testing. Allele origin: germline. Affected: yes.
Comment: Not observed in large population cohorts (Lek et al., 2016); In silico analysis, which includes protein predictors and evolutionary conservation, supports a deleterious effect; Has not been previously published as pathogenic or benign to our knowledge